The following is an entry in ClinVar:

ClinVar aggregate classification (germline): Uncertain significance (1 of 4 stars; one submission).

Conditions:
Sulfite oxidase deficiency due to molybdenum cofactor deficiency type C. Also called: Molybdenum cofactor deficiency C; Molybdenum cofactor deficiency, complementation group C. Identifiers: Orphanet 308400, Orphanet 833, MedGen C1854990, MONDO:0014212, OMIM 615501.

Submission:

Labcorp Genetics (formerly Invitae), Labcorp
Classification: Uncertain significance for Sulfite oxidase deficiency due to molybdenum cofactor deficiency type C. Last evaluated: 2022-07-16. Review status: criteria provided, single submitter. Criteria: Invitae Variant Classification Sherloc (09022015). Collection method: clinical testing. Allele origin: germline.
Comment: In summary, the available evidence is currently insufficient to determine the role of this variant in disease. Therefore, it has been classified as a Variant of Uncertain Significance. Algorithms developed to predict the effect of missense changes on protein structure and function (SIFT, PolyPhen-2, Align-GVGD) all suggest that this variant is likely to be tolerated. This variant has not been reported in the literature in individuals affected with GPHN-related conditions. This variant is not present in population databases (gnomAD no frequency). This sequence change replaces valine, which is neutral and non-polar, with leucine, which is neutral and non-polar, at codon 482 of the GPHN protein (p.Val482Leu).

NM_020806.5(GPHN):c.1444G>C (p.Val482Leu)

Gene: GPHN (gephyrin; plus strand). Cytogenetic location: 14q23.3.
Variant type: single nucleotide variant.
Coding change: c.1444G>C on transcript NM_020806.5 (MANE Select); coding-DNA position 1444, G replaced by C.
Protein change: p.Val482Leu; replaces valine 482 with leucine.
Molecular consequence: missense variant.
Genome position (GRCh38, 1-based): chr14:67,111,891, G>C. VCF-style: chr14-67111891-G-C. GRCh37 (hg19) VCF-style: chr14-67578608-G-C.
Other names: c.1345G>C, p.Val449Leu (NM_001024218.2); c.1504G>C, p.Val502Leu (NM_001377514.1); c.1474G>C, p.Val492Leu (NM_001377515.1); c.1465G>C, p.Val489Leu (NM_001377516.1); c.1417G>C, p.Val473Leu (NM_001377517.1); c.1402G>C, p.Val468Leu (NM_001377518.1); c.1384G>C, p.Val462Leu (NM_001377519.1); short protein forms V449L, V462L, V468L, V473L, V482L, V489L, V492L, V502L.
Identifiers: ClinVar variation 1716350 (VCV001716350.5), dbSNP rs1447775580, ClinGen allele CA390258262.